The following is an entry in ClinVar:

ClinVar aggregate classification (germline): Benign. Review status: criteria provided, single submitter (1 of 4 stars). 2 submissions from 2 submitters: Benign (1). 1 of the submissions does not count toward it. Last evaluated 2026-01-14.

Conditions:
LARS1-related disorder. Also called: LARS1-related condition.

Allele frequency attached by ClinVar (database versions not stated): TOPMed 0.00001; gnomAD 0.00006; 1000 Genomes Project 30x 0.00016; gnomAD exomes 0.00016; 1000 Genomes Project 0.00020; ExAC 0.00033.
gnomAD v4.1: 243 of 1,614,032 alleles (0.015%); highest among the groups gnomAD compares: South Asian, 0.26%; 4 homozygotes.

Submissions (2):

Labcorp Genetics (formerly Invitae), Labcorp
Classification: Benign. Last evaluated: 2026-01-14. Review status: criteria provided, single submitter. Criteria: Invitae Variant Classification Sherloc (09022015). Collection method: clinical testing. Allele origin: germline.

PreventionGenetics, part of Exact Sciences
Classification: Likely benign for LARS1-related condition. Last evaluated: 2019-11-05. Review status: no assertion criteria provided. Collection method: clinical testing. Allele origin: germline. Not counted in ClinVar's aggregate classification.
Comment: This variant is classified as likely benign based on ACMG/AMP sequence variant interpretation guidelines (Richards et al. 2015 PMID: 25741868, with internal and published modifications).

NM_020117.11(LARS1):c.1608A>G (p.Glu536=)

Gene: LARS1 (leucyl-tRNA synthetase 1; minus strand). Cytogenetic location: 5q32.
Variant type: single nucleotide variant.
Coding change: c.1608A>G on transcript NM_020117.11 (MANE Select); coding-DNA position 1608, A replaced by G.
Protein change: p.Glu536=; no amino-acid change (glutamic acid 536 retained).
Molecular consequence: synonymous variant.
Genome position (GRCh38, 1-based): chr5:146,144,519, T>C on the plus strand (A>G on the coding strand, the complement: LARS1 is on the minus strand). VCF-style: chr5-146144519-T-C. GRCh37 (hg19) VCF-style: chr5-145524082-T-C.
Other names: c.1470A>G, p.Glu490= (NM_001317964.2); c.1446A>G, p.Glu482= (NM_001317965.2); c.1527A>G, p.Glu509= (NM_016460.4).
Identifiers: ClinVar variation 3045817 (VCV003045817.3), dbSNP rs548367363, ClinGen allele CA3489554.